The following is an entry in ClinVar:

ClinVar aggregate classification (germline): Uncertain significance. Review status: criteria provided, multiple submitters, no conflicts (2 of 4 stars). 2 submissions from 2 submitters: Uncertain significance (2). Last evaluated 2025-07-01.

Allele frequency attached by ClinVar (database versions not stated): ExAC 0.00001; gnomAD 0.00001; gnomAD exomes 0.00001; TOPMed 0.00001.
gnomAD v4.1: 19 of 1,613,896 alleles (0.0012%); highest among the groups gnomAD compares: South Asian, 0.0033%; no homozygotes.

Submissions (2):

CeGaT Center for Human Genetics Tuebingen
Classification: Uncertain significance. Last evaluated: 2025-07-01. Review status: criteria provided, single submitter. Criteria: CeGaT Center For Human Genetics Tuebingen Variant Classification Criteria Version 2. Collection method: clinical testing. Allele origin: germline. Affected: yes. Observed: 1 variant allele.
Comment: CLCN2: PM2:Supporting, PP3

Labcorp Genetics (formerly Invitae), Labcorp
Classification: Uncertain significance. Last evaluated: 2024-11-11. Review status: criteria provided, single submitter. Criteria: Invitae Variant Classification Sherloc (09022015). Collection method: clinical testing. Allele origin: germline.
Comment: This sequence change replaces alanine, which is neutral and non-polar, with threonine, which is neutral and polar, at codon 195 of the CLCN2 protein (p.Ala195Thr). This variant is present in population databases (rs751400185, gnomAD 0.006%). This variant has not been reported in the literature in individuals affected with CLCN2-related conditions. ClinVar contains an entry for this variant (Variation ID: 2201669). Invitae Evidence Modeling of protein sequence and biophysical properties (such as structural, functional, and spatial information, amino acid conservation, physicochemical variation, residue mobility, and thermodynamic stability) indicates that this missense variant is not expected to disrupt CLCN2 protein function with a negative predictive value of 80%. In summary, the available evidence is currently insufficient to determine the role of this variant in disease. Therefore, it has been classified as a Variant of Uncertain Significance.

NM_004366.6(CLCN2):c.583G>A (p.Ala195Thr)

Gene: CLCN2 (chloride voltage-gated channel 2; minus strand). Cytogenetic location: 3q27.1.
Variant type: single nucleotide variant.
Coding change: c.583G>A on transcript NM_004366.6 (MANE Select); coding-DNA position 583, G replaced by A.
Protein change: p.Ala195Thr; replaces alanine 195 with threonine.
Molecular consequence: missense variant.
Genome position (GRCh38, 1-based): chr3:184,357,994, C>T on the plus strand (G>A on the coding strand, the complement: CLCN2 is on the minus strand). VCF-style: chr3-184357994-C-T. GRCh37 (hg19) VCF-style: chr3-184075782-C-T.
Other names: c.583G>A, p.Ala195Thr (NM_001171087.3, NM_001171089.3); c.451G>A, p.Ala151Thr (NM_001171088.3); short protein forms A195T, A151T.
Identifiers: ClinVar variation 2201669 (VCV002201669.12), dbSNP rs751400185, ClinGen allele CA2734457.